The following is an entry in ClinVar:

ClinVar aggregate classification (germline): Likely pathogenic (1 of 4 stars; one submission).

Conditions:
Arrhythmogenic right ventricular dysplasia 9 (ARVD9). Also called: ARRHYTHMOGENIC RIGHT VENTRICULAR DYSPLASIA, FAMILIAL, 9; Arrhythmogenic Right Ventricular Dysplasia/Cardiomyopathy 9. Identifiers: MedGen C1836906, MONDO:0012180, OMIM 609040.

Submission:

Neuberg Centre For Genomic Medicine, NCGM
Classification: Likely pathogenic for Arrhythmogenic right ventricular dysplasia 9. Review status: criteria provided, single submitter. Criteria: ACMG Guidelines, 2015. Collection method: clinical testing. Allele origin: germline. Inheritance: Autosomal dominant inheritance. Affected: yes.
Comment: The frameshift deletion p.L145Efs*8 in PKP2 (NM_001005242.3) has not been reported previously as a pathogenic variant nor as a benign variant, to our knowledge. The p.L145Efs*8 variant is novel (not in any individuals) in gnomAD Exomes and is novel (not in any individuals) in 1000 Genomes. This variant is predicted to cause loss of normal protein function through protein truncation. Loss of function variants have been reported previously to be disease causing. For these reasons, this variant has been classified as Likely Pathogenic.

NM_001005242.3(PKP2):c.433_434del (p.Leu145fs)

Gene: PKP2 (plakophilin 2; minus strand). Cytogenetic location: 12p11.21.
Variant type: Microsatellite.
Coding change: c.433_434del on transcript NM_001005242.3 (MANE Select); coding-DNA positions 433 to 434, 2 bases deleted (CT; older notation c.433_434delCT).
Protein change: p.Leu145fs; shifts the reading frame from leucine 145.
Molecular consequence: frameshift variant.
Genome position (GRCh38, 1-based): chr12:32,878,446-32,878,447, AG deleted on the plus strand (CT on the coding strand, the reverse complement: PKP2 is on the minus strand); deleting any 2 consecutive bases within chr12:32,878,446-32,878,449 gives the same sequence; the c. name uses the placement nearest the transcript's 3' end. VCF-style (leftmost placement, unchanged base first): chr12-32878445-CAG-C. GRCh37 (hg19) VCF-style: chr12-33031379-CAG-C.
Other names: c.433_434del, p.Leu145fs (NM_001407155.1, NM_001407156.1, NM_001407157.1 and 2 more transcripts); c.106_107del, p.Leu36fs (NM_001407158.1, NM_001407159.1, NM_001407160.1 and 1 more transcripts); short protein forms L145fs, L36fs.
Identifiers: ClinVar variation 2627675 (VCV002627675.1), dbSNP rs199643407, ClinGen allele CA235266804.